The following is an entry in ClinVar:

ClinVar aggregate classification (germline): Likely benign. Review status: criteria provided, multiple submitters, no conflicts (2 of 4 stars). 4 submissions from 4 submitters: Likely benign (4). Last evaluated 2025-11-24.

Conditions:
Cardiovascular phenotype. Identifiers: MedGen CN230736.
RASopathy. Also called: Noonan spectrum disorder; rasopathies. Identifiers: Orphanet 536391, MedGen C5555857, MONDO:0021060.

Allele frequency attached by ClinVar (database versions not stated): gnomAD exomes 0.00004; ExAC 0.00004; TOPMed 0.00005.

Submissions (4):

Labcorp Genetics (formerly Invitae), Labcorp
Classification: Likely benign for RASopathy. Last evaluated: 2025-11-24. Review status: criteria provided, single submitter. Criteria: Invitae Variant Classification Sherloc (09022015). Collection method: clinical testing. Allele origin: germline.

Ambry Genetics
Classification: Likely benign for Cardiovascular phenotype. Last evaluated: 2023-10-02. Review status: criteria provided, single submitter. Criteria: Ambry Variant Classification Scheme 2023. Collection method: clinical testing. Allele origin: germline.

Blueprint Genetics
Classification: Likely benign. Last evaluated: 2022-04-12. Review status: criteria provided, single submitter. Criteria: ACMG Guidelines, 2015. Collection method: clinical testing. Allele origin: germline.

Women's Health and Genetics/Laboratory Corporation of America, LabCorp
Classification: Likely benign. Last evaluated: 2020-12-07. Review status: criteria provided, single submitter. Criteria: LabCorp Variant Classification Summary - May 2015. Collection method: clinical testing. Allele origin: germline.
Comment: Variant summary: MAP2K1 c.1123C>A (p.Leu375Ile) results in a conservative amino acid change in the encoded protein sequence. Four of five in-silico tools predict a benign effect of the variant on protein function. The variant allele was found at a frequency of 4.4e-05 in 251410 control chromosomes, predominantly at a frequency of 0.0006 within the East Asian subpopulation in the gnomAD database. The observed variant frequency within East Asian control individuals in the gnomAD database is higher than the estimated maximal expected allele frequency for a pathogenic variant in MAP2K1 causing Cardiofaciocutaneous Syndrome phenotype (7.5e-07), strongly suggesting that the variant is a benign polymorphism found primarily in populations of East Asian origin. To our knowledge, no occurrence of c.1123C>A in individuals affected with Cardiofaciocutaneous Syndrome and no experimental evidence demonstrating its impact on protein function have been reported. One clinical diagnostic laboratory has submitted clinical-significance assessments for this variant to ClinVar after 2014 without evidence for independent evaluation and classified the variant as uncertain significance. Based on the evidence outlined above, the variant was classified as likely benign.

NM_002755.4(MAP2K1):c.1123C>A (p.Leu375Ile)

Genes: MAP2K1 (mitogen-activated protein kinase kinase 1; plus strand), SNAPC5 (small nuclear RNA activating complex polypeptide 5; minus strand). Cytogenetic location: 15q22.31.
Variant type: single nucleotide variant.
Coding change: c.1123C>A on transcript NM_002755.4 (MANE Select); coding-DNA position 1123, C replaced by A.
Protein change: p.Leu375Ile; replaces leucine 375 with isoleucine.
Molecular consequence: missense variant. On other transcripts: 3 prime UTR variant (1), non-coding transcript variant (1).
Genome position (GRCh38, 1-based): chr15:66,490,556, C>A. VCF-style: chr15-66490556-C-A. GRCh37 (hg19) VCF-style: chr15-66782894-C-A.
Other names: c.*183G>T (NM_006049.4); c.979C>A, p.Leu327Ile (NM_001411065.1); short protein forms L375I, L327I.
Identifiers: ClinVar variation 543994 (VCV000543994.10), dbSNP rs752538915, ClinGen allele CA7624168.